The following is an entry in ClinVar:

ClinVar aggregate classification (germline): Pathogenic. Review status: criteria provided, multiple submitters, no conflicts (2 of 4 stars). 3 submissions from 3 submitters: Pathogenic (3). Last evaluated 2024-12-24.

Conditions:
Combined oxidative phosphorylation defect type 24. Also called: Combined oxidative phosphorylation deficiency 24. Identifiers: Orphanet 444458, MedGen C4015643, MONDO:0014547, OMIM 616239.

Allele frequency attached by ClinVar (database versions not stated): gnomAD 0.00001; gnomAD exomes 0.00001 and 0.00002; ExAC 0.00002; ESP Exome Variant Server 0.00008.
gnomAD v4.1: 28 of 1,612,918 alleles (0.0017%); highest among the groups gnomAD compares: Non-Finnish European, 0.0024%; no homozygotes.

Submissions (3):

Women's Health and Genetics/Laboratory Corporation of America, LabCorp
Classification: Pathogenic for Combined oxidative phosphorylation defect type 24. Last evaluated: 2024-12-24. Review status: criteria provided, single submitter. Criteria: LabCorp Variant Classification Summary - May 2015. Collection method: clinical testing. Allele origin: germline.
Comment: Variant summary: NARS2 c.1236C>G (p.Tyr412X) results in a premature termination codon, predicted to cause absence of the protein due to nonsense mediated decay, which is a commonly known mechanism for disease. The variant allele was found at a frequency of 8e-06 in 251408 control chromosomes. To our knowledge, no occurrence of c.1236C>G in individuals affected with Combined Oxidative Phosphorylation Deficiency 24 and no experimental evidence demonstrating its impact on protein function have been reported. ClinVar contains an entry for this variant (Variation ID: 1323326). Based on the evidence outlined above, the variant was classified as pathogenic.

Labcorp Genetics (formerly Invitae), Labcorp
Classification: Pathogenic. Last evaluated: 2024-01-22. Review status: criteria provided, single submitter. Criteria: Invitae Variant Classification Sherloc (09022015). Collection method: clinical testing. Allele origin: germline.
Comment: This sequence change creates a premature translational stop signal (p.Tyr412*) in the NARS2 gene. It is expected to result in an absent or disrupted protein product. Loss-of-function variants in NARS2 are known to be pathogenic (PMID: 25807530, 26402642). This variant is present in population databases (rs368911815, gnomAD 0.003%). This variant has not been reported in the literature in individuals affected with NARS2-related conditions. ClinVar contains an entry for this variant (Variation ID: 1323326). For these reasons, this variant has been classified as Pathogenic.

Revvity Omics, Revvity
Classification: Pathogenic. Last evaluated: 2019-08-27. Review status: criteria provided, single submitter. Criteria: ACMG Guidelines, 2015. Collection method: clinical testing. Allele origin: germline.

Literature cited by the submitters: PubMed 25807530 (cited by Labcorp Genetics (formerly Invitae), Labcorp); PubMed 26402642 (cited by Labcorp Genetics (formerly Invitae), Labcorp).

NM_024678.6(NARS2):c.1236C>G (p.Tyr412Ter)

Gene: NARS2 (asparaginyl-tRNA synthetase 2, mitochondrial; minus strand). Cytogenetic location: 11q14.1.
Variant type: single nucleotide variant.
Coding change: c.1236C>G on transcript NM_024678.6 (MANE Select); coding-DNA position 1236, C replaced by G.
Protein change: p.Tyr412Ter; replaces tyrosine 412 with a stop codon.
Molecular consequence: nonsense.
Genome position (GRCh38, 1-based): chr11:78,443,687, G>C on the plus strand (C>G on the coding strand, the complement: NARS2 is on the minus strand). VCF-style: chr11-78443687-G-C. GRCh37 (hg19) VCF-style: chr11-78154733-G-C.
Other names: c.555C>G, p.Tyr185Ter (NM_001243251.2); short protein forms Y185*, Y412*.
Identifiers: ClinVar variation 1323326 (VCV001323326.9), dbSNP rs368911815, ClinGen allele CA6205551.
Genomic context (GRCh38, chr11:78,443,687, plus strand): 5'-TCTCAATTGTGTTTCTTTTAGGTCTGACCAGTACCTGGCTAAGCGCTCCTCTAAGAAATG[G>C]TATCGTTCTTCTCTGAGGCCTCCTCCAAAGAGTTCCCCAACTCCAGGAACCAGAAGATCA-3'